The following is an entry in ClinVar:

NM_006231.4(POLE):c.5359C>G (p.Leu1787Val)

Gene: POLE (DNA polymerase epsilon, catalytic subunit; minus strand). Cytogenetic location: 12q24.33.
Variant type: single nucleotide variant.
Coding change: c.5359C>G on transcript NM_006231.4 (MANE Select); coding-DNA position 5359, C replaced by G.
Protein change: p.Leu1787Val; replaces leucine 1787 with valine.
Molecular consequence: missense variant.
Genome position (GRCh38, 1-based): chr12:132,641,666, G>C on the plus strand (C>G on the coding strand, the complement: POLE is on the minus strand). VCF-style: chr12-132641666-G-C. GRCh37 (hg19) VCF-style: chr12-133218252-G-C.
Other names: short protein forms L1787V.
Identifiers: ClinVar variation 1476270 (VCV001476270.12), dbSNP rs2138523012, ClinGen allele CA387375737.

ClinVar aggregate classification (germline): Uncertain significance. Review status: criteria provided, multiple submitters, no conflicts (2 of 4 stars). 3 submissions from 3 submitters: Uncertain significance (3). Last evaluated 2025-12-29.

Conditions:
Hereditary cancer-predisposing syndrome. Also called: Neoplastic Syndromes, Hereditary; Hereditary Cancer Syndrome; Tumor predisposition; Hereditary neoplastic syndrome. Identifiers: Orphanet 140162, MedGen C0027672, MeSH D009386, MONDO:0015356.

Submissions (3):

Center for Genomic Medicine, Rigshospitalet, Copenhagen University Hospital
Classification: Uncertain significance. Last evaluated: 2025-12-29. Review status: criteria provided, single submitter. Criteria: ACMG Guidelines, 2015. Collection method: clinical testing. Allele origin: germline.

Labcorp Genetics (formerly Invitae), Labcorp
Classification: Uncertain significance. Last evaluated: 2025-11-19. Review status: criteria provided, single submitter. Criteria: Invitae Variant Classification Sherloc (09022015). Collection method: clinical testing. Allele origin: germline.
Comment: This sequence change replaces leucine, which is neutral and non-polar, with valine, which is neutral and non-polar, at codon 1787 of the POLE protein (p.Leu1787Val). This variant is not present in population databases (gnomAD no frequency). This variant has not been reported in the literature in individuals affected with POLE-related conditions. ClinVar contains an entry for this variant (Variation ID: 1476270). Invitae Evidence Modeling of protein sequence and biophysical properties (such as structural, functional, and spatial information, amino acid conservation, physicochemical variation, residue mobility, and thermodynamic stability) indicates that this missense variant is not expected to disrupt POLE protein function with a negative predictive value of 80%. In summary, the available evidence is currently insufficient to determine the role of this variant in disease. Therefore, it has been classified as a Variant of Uncertain Significance.

Ambry Genetics
Classification: Uncertain significance for Hereditary cancer-predisposing syndrome. Last evaluated: 2025-06-19. Review status: criteria provided, single submitter. Criteria: Ambry Variant Classification Scheme 2023. Collection method: clinical testing. Allele origin: germline.
Comment: The p.L1787V variant (also known as c.5359C>G), located in coding exon 39 of the POLE gene, results from a C to G substitution at nucleotide position 5359. The leucine at codon 1787 is replaced by valine, an amino acid with highly similar properties. This amino acid position is conserved. In addition, the in silico prediction for this alteration is inconclusive. Since supporting evidence is limited at this time, the clinical significance of this alteration remains unclear.